The following is an entry in ClinVar:

ClinVar aggregate classification (germline): Likely benign (0 of 4 stars; one submission).

Conditions:
DNAH6-related disorder. Also called: DNAH6-related condition.

Allele frequency attached by ClinVar (database versions not stated): ExAC 0.00004; ESP Exome Variant Server 0.00022; TOPMed 0.00024; gnomAD 0.00026.
gnomAD v4.1: 593 of 1,551,192 alleles (0.038%); highest among the groups gnomAD compares: Non-Finnish European, 0.048%; no homozygotes.

Submission:

PreventionGenetics, part of Exact Sciences
Classification: Likely benign for DNAH6-related condition. Last evaluated: 2019-07-23. Review status: no assertion criteria provided. Collection method: clinical testing. Allele origin: germline.
Comment: This variant is classified as likely benign based on ACMG/AMP sequence variant interpretation guidelines (Richards et al. 2015 PMID: 25741868, with internal and published modifications).

NM_001370.2(DNAH6):c.519C>T (p.His173=)

Gene: DNAH6 (dynein axonemal heavy chain 6; plus strand). Cytogenetic location: 2p11.2.
Variant type: single nucleotide variant.
Coding change: c.519C>T on transcript NM_001370.2 (MANE Select); coding-DNA position 519, C replaced by T.
Protein change: p.His173=; no amino-acid change (histidine 173 retained).
Molecular consequence: synonymous variant.
Genome position (GRCh38, 1-based): chr2:84,529,023, C>T. VCF-style: chr2-84529023-C-T. GRCh37 (hg19) VCF-style: chr2-84756147-C-T.
Identifiers: ClinVar variation 3049693 (VCV003049693.2), dbSNP rs376060265, ClinGen allele CA1736526.